The following is an entry in ClinVar:

NM_030752.3(TCP1):c.1196T>C (p.Val399Ala)

Gene: TCP1 (t-complex 1; minus strand). Cytogenetic location: 6q25.3.
Variant type: single nucleotide variant.
Coding change: c.1196T>C on transcript NM_030752.3 (MANE Select); coding-DNA position 1196, T replaced by C.
Protein change: p.Val399Ala; replaces valine 399 with alanine.
Molecular consequence: missense variant.
Genome position (GRCh38, 1-based): chr6:159,779,989, A>G on the plus strand (T>C on the coding strand, the complement: TCP1 is on the minus strand). VCF-style: chr6-159779989-A-G. GRCh37 (hg19) VCF-style: chr6-160201021-A-G.
Other names: c.731T>C, p.Val244Ala (NM_001008897.2); short protein forms V244A, V399A.
Identifiers: ClinVar variation 5002528 (VCV005002528.1).

ClinVar aggregate classification (germline): Uncertain significance (1 of 4 stars; one submission).

Conditions:
TCP1-related condition.

Submission:

PreventionGenetics, part of Exact Sciences
Classification: Uncertain significance for TCP1-related condition. Last evaluated: 2026-04-29. Review status: criteria provided, single submitter. Criteria: ACMG Guidelines, 2015. Collection method: clinical testing. Allele origin: germline.
Comment: The TCP1 c.1196T>C variant is predicted to result in the amino acid substitution p.Val399Ala. To our knowledge, this variant has not been reported in the literature or in a large population database (gnomAD), indicating this variant is rare. At this time, the clinical significance of this variant is uncertain due to the absence of conclusive functional and genetic evidence.